The following is an entry in ClinVar:

NM_016604.4(KDM3B):c.3621C>T (p.Ala1207=)

Gene: KDM3B (lysine demethylase 3B; plus strand). Cytogenetic location: 5q31.2.
Variant type: single nucleotide variant.
Coding change: c.3621C>T on transcript NM_016604.4 (MANE Select); coding-DNA position 3621, C replaced by T.
Protein change: p.Ala1207=; no amino-acid change (alanine 1207 retained).
Molecular consequence: synonymous variant.
Genome position (GRCh38, 1-based): chr5:138,419,138, C>T. VCF-style: chr5-138419138-C-T. GRCh37 (hg19) VCF-style: chr5-137754827-C-T.
Identifiers: ClinVar variation 4985703 (VCV004985703.1).
Genomic context (GRCh38, chr5:138,419,138, plus strand): 5'-ATCTGAAGAGCCTCTGAAAACAGACAGTTCGGCATCAAATAGCAATAGTGAACTGAAAGC[C>T]ATCAGGCCTCCTTGCCCTGACACGGCCCCACCCTCCTCCGCCCTGCACTGGTTGGCAGAT-3'
Protein context (NP_057688.3, residues 1197-1217): SASNSNSELK[Ala1207=]IRPPCPDTAP

ClinVar aggregate classification (germline): Likely benign (1 of 4 stars; one submission).

Conditions:
KDM3B-related disorder. Also called: KDM3B-related condition.

Submission:

PreventionGenetics, part of Exact Sciences
Classification: Likely benign for KDM3B-related condition. Last evaluated: 2026-09-01. Review status: criteria provided, single submitter. Criteria: ACMG Guidelines, 2015. Collection method: clinical testing. Allele origin: germline.
Comment: This variant is classified as likely benign based on ACMG/AMP sequence variant interpretation guidelines (Richards et al. 2015 PMID: 25741868, with internal and published modifications).